The following is an entry in ClinVar:

NM_005002.5(NDUFA9):c.553-243G>A

Gene: NDUFA9 (NADH:ubiquinone oxidoreductase subunit A9; plus strand). Cytogenetic location: 12p13.32.
Variant type: single nucleotide variant.
Coding change: c.553-243G>A on transcript NM_005002.5 (MANE Select); 243 bases into the intron before coding-DNA position 553, G replaced by A.
Molecular consequence: intron variant.
Genome position (GRCh38, 1-based): chr12:4,662,290, G>A. VCF-style: chr12-4662290-G-A. GRCh37 (hg19) VCF-style: chr12-4771456-G-A.
Other names: NC_000012.11:g.4771456G>A.
Identifiers: ClinVar variation 671790 (VCV000671790.2), dbSNP rs2267548, ClinGen allele CA231823709.
Genomic context (GRCh38, chr12:4,662,290, plus strand): 5'-TAAATAGAAGGAAAAATGGAGGCTGAAGAAATTCTACTTTGATTTTTCTCCTTCTTCAAT[G>A]TAAGCTTCCCTTAAAATAAAAAAATTGGAAGAGACCCAACCCAATCTGTAAGGTGCAGGA-3'

ClinVar aggregate classification (germline): Benign (1 of 4 stars; one submission).

Allele frequency attached by ClinVar (database versions not stated): 1000 Genomes Project 30x 0.16474; 1000 Genomes Project 0.16813; TOPMed 0.19889; gnomAD 0.20380 and 0.20395.
gnomAD v4.1: 31,173 of 152,168 alleles (20%); highest among the groups gnomAD compares: Middle Eastern, 37%; 3,816 homozygotes.

Submissions (18):

GeneDx
Classification: Benign. Last evaluated: 2018-06-19. Review status: criteria provided, single submitter. Criteria: GeneDx Variant Classification (06012015). Collection method: clinical testing. Allele origin: germline. Affected: yes.
Comment: This variant is considered likely benign or benign based on one or more of the following criteria: it is a conservative change, it occurs at a poorly conserved position in the protein, it is predicted to be benign by multiple in silico algorithms, and/or has population frequency not consistent with disease.

Dr. Peter K. Rogan Lab, Western University
No classification provided (evidence only). Condition: Lung cancer. Review status: no classification provided. Collection method: in vitro. Allele origin: not applicable. Functional consequence: retained intron. Not counted in ClinVar's aggregate classification.

Dr. Peter K. Rogan Lab, Western University
No classification provided (evidence only). Condition: Uterine corpus endometrial carcinoma. Review status: no classification provided. Collection method: in vitro. Allele origin: not applicable. Functional consequence: retained intron. Not counted in ClinVar's aggregate classification.

Dr. Peter K. Rogan Lab, Western University
No classification provided (evidence only). Condition: Cervical cancer. Review status: no classification provided. Collection method: in vitro. Allele origin: not applicable. Functional consequence: skipped exon. Not counted in ClinVar's aggregate classification.

Dr. Peter K. Rogan Lab, Western University
No classification provided (evidence only). Condition: Cervical cancer. Review status: no classification provided. Collection method: in vitro. Allele origin: not applicable. Functional consequence: skipped exon, retained intron. Not counted in ClinVar's aggregate classification.

Dr. Peter K. Rogan Lab, Western University
No classification provided (evidence only). Condition: Cervical cancer. Review status: no classification provided. Collection method: in vitro. Allele origin: not applicable. Functional consequence: skipped exon. Not counted in ClinVar's aggregate classification.

Dr. Peter K. Rogan Lab, Western University
No classification provided (evidence only). Condition: Cervical cancer. Review status: no classification provided. Collection method: in vitro. Allele origin: not applicable. Functional consequence: retained intron. Not counted in ClinVar's aggregate classification.

Dr. Peter K. Rogan Lab, Western University
No classification provided (evidence only). Condition: Cervical cancer. Review status: no classification provided. Collection method: in vitro. Allele origin: not applicable. Functional consequence: retained intron. Not counted in ClinVar's aggregate classification.

Dr. Peter K. Rogan Lab, Western University
No classification provided (evidence only). Condition: Cervical cancer. Review status: no classification provided. Collection method: in vitro. Allele origin: not applicable. Functional consequence: skipped exon. Not counted in ClinVar's aggregate classification.

Dr. Peter K. Rogan Lab, Western University
No classification provided (evidence only). Condition: Cholangiocarcinoma. Review status: no classification provided. Collection method: in vitro. Allele origin: not applicable. Functional consequence: skipped exon. Not counted in ClinVar's aggregate classification.

Dr. Peter K. Rogan Lab, Western University
No classification provided (evidence only). Condition: Cholangiocarcinoma. Review status: no classification provided. Collection method: in vitro. Allele origin: not applicable. Functional consequence: skipped exon. Not counted in ClinVar's aggregate classification.

Dr. Peter K. Rogan Lab, Western University
No classification provided (evidence only). Condition: Cholangiocarcinoma. Review status: no classification provided. Collection method: in vitro. Allele origin: not applicable. Functional consequence: skipped exon, retained intron. Not counted in ClinVar's aggregate classification.

Dr. Peter K. Rogan Lab, Western University
No classification provided (evidence only). Condition: Cholangiocarcinoma. Review status: no classification provided. Collection method: in vitro. Allele origin: not applicable. Functional consequence: skipped exon. Not counted in ClinVar's aggregate classification.

Dr. Peter K. Rogan Lab, Western University
No classification provided (evidence only). Condition: Gastric cancer. Review status: no classification provided. Collection method: in vitro. Allele origin: not applicable. Functional consequence: retained intron. Not counted in ClinVar's aggregate classification.

Dr. Peter K. Rogan Lab, Western University
No classification provided (evidence only). Condition: Malignant tumor of esophagus. Review status: no classification provided. Collection method: in vitro. Allele origin: not applicable. Functional consequence: retained intron. Not counted in ClinVar's aggregate classification.

Dr. Peter K. Rogan Lab, Western University
No classification provided (evidence only). Condition: Malignant tumor of esophagus. Review status: no classification provided. Collection method: in vitro. Allele origin: not applicable. Functional consequence: retained intron. Not counted in ClinVar's aggregate classification.

Dr. Peter K. Rogan Lab, Western University
No classification provided (evidence only). Condition: Malignant tumor of esophagus. Review status: no classification provided. Collection method: in vitro. Allele origin: not applicable. Functional consequence: skipped exon, retained intron. Not counted in ClinVar's aggregate classification.

Dr. Peter K. Rogan Lab, Western University
No classification provided (evidence only). Condition: Malignant tumor of esophagus. Review status: no classification provided. Collection method: in vitro. Allele origin: not applicable. Functional consequence: skipped exon. Not counted in ClinVar's aggregate classification.